The following is an entry in ClinVar:

ClinVar aggregate classification (germline): Uncertain significance (1 of 4 stars; one submission).

Conditions:
Cardiovascular phenotype. Identifiers: MedGen CN230736.

Submission:

Ambry Genetics
Classification: Uncertain significance for Cardiovascular phenotype. Last evaluated: 2026-07-07. Review status: criteria provided, single submitter. Criteria: Ambry Variant Classification Scheme 2023. Collection method: clinical testing. Allele origin: germline.
Comment: The p.D2448G variant (also known as c.7343A>G) is located in coding exon 49 of the RYR2 gene. The aspartic acid at codon 2448 is replaced by glycine, an amino acid with similar properties. This change occurs in the first base pair of coding exon 49. This amino acid position is conserved. In addition, this alteration is predicted to be deleterious by in silico analysis. Based on the available evidence, the clinical significance of this variant remains unclear.

NM_001035.3(RYR2):c.7343A>G (p.Asp2448Gly)

Gene: RYR2 (ryanodine receptor 2; plus strand). Cytogenetic location: 1q43.
Variant type: single nucleotide variant.
Coding change: c.7343A>G on transcript NM_001035.3 (MANE Select); coding-DNA position 7343, A replaced by G.
Protein change: p.Asp2448Gly; replaces aspartic acid 2448 with glycine.
Molecular consequence: missense variant.
Genome position (GRCh38, 1-based): chr1:237,648,444, A>G. VCF-style: chr1-237648444-A-G. GRCh37 (hg19) VCF-style: chr1-237811744-A-G.
Other names: short protein forms D2448G.
Identifiers: ClinVar variation 5028661 (VCV005028661.1).